The following is an entry in ClinVar:

ClinVar aggregate classification (germline): Pathogenic (1 of 4 stars; one submission).

Conditions:
Primary ciliary dyskinesia. Also called: Ciliary dyskinesia. Identifiers: Orphanet 244, MedGen C0008780, MONDO:0016575, HP:0012265.

Submission:

Labcorp Genetics (formerly Invitae), Labcorp
Classification: Pathogenic for Primary ciliary dyskinesia. Last evaluated: 2022-02-24. Review status: criteria provided, single submitter. Criteria: Invitae Variant Classification Sherloc (09022015). Collection method: clinical testing. Allele origin: germline.
Comment: This variant is a gross deletion of the genomic region encompassing exon(s) 4 of the DNAH5 gene. This deletion is out-of-frame, and is expected to create a premature termination codon and result in an absent or disrupted protein product. Loss-of-function variants in DNAH5 are known to be pathogenic (PMID: 11788826, 16627867). A similar copy number variant has been observed in individual(s) with clinical features of DNAH5-related conditions (Invitae). In at least one individual the data is consistent with being in trans (on the opposite chromosome) from a pathogenic variant. For these reasons, this variant has been classified as Pathogenic.

Literature cited by the submitters: PubMed 11788826; PubMed 16627867.

NC_000005.9:g.(?_13923379)_(13923559_?)del

Gene: DNAH5 (dynein axonemal heavy chain 5; minus strand). Cytogenetic location: 5p15.2.
Variant type: Deletion.
Identifiers: ClinVar variation 1455451 (VCV001455451.14).